The following is an entry in ClinVar:

NM_006269.2(RP1):c.4301A>T (p.Tyr1434Phe)

Gene: RP1 (RP1 axonemal microtubule associated; plus strand). Cytogenetic location: 8q12.1.
Variant type: single nucleotide variant.
Coding change: c.4301A>T on transcript NM_006269.2 (MANE Select); coding-DNA position 4301, A replaced by T.
Protein change: p.Tyr1434Phe; replaces tyrosine 1434 with phenylalanine.
Molecular consequence: missense variant. On other transcripts: intron variant (1).
Genome position (GRCh38, 1-based): chr8:54,628,183, A>T. VCF-style: chr8-54628183-A-T. GRCh37 (hg19) VCF-style: chr8-55540743-A-T.
Other names: c.787+5895A>T (NM_001375654.1); short protein forms Y1434F.
Identifiers: ClinVar variation 3664192 (VCV003664192.2).

ClinVar aggregate classification (germline): Uncertain significance (1 of 4 stars; one submission).

Submission:

Labcorp Genetics (formerly Invitae), Labcorp
Classification: Uncertain significance. Last evaluated: 2024-09-01. Review status: criteria provided, single submitter. Criteria: Invitae Variant Classification Sherloc (09022015). Collection method: clinical testing. Allele origin: germline.
Comment: This sequence change replaces tyrosine, which is neutral and polar, with phenylalanine, which is neutral and non-polar, at codon 1434 of the RP1 protein (p.Tyr1434Phe). This variant is not present in population databases (gnomAD no frequency). This variant has not been reported in the literature in individuals affected with RP1-related conditions. An algorithm developed to predict the effect of missense changes on protein structure and function (PolyPhen-2) suggests that this variant is likely to be tolerated. In summary, the available evidence is currently insufficient to determine the role of this variant in disease. Therefore, it has been classified as a Variant of Uncertain Significance.